The following is an entry in ClinVar:

NM_000836.4(GRIN2D):c.803C>T (p.Ser268Phe)

Gene: GRIN2D (glutamate ionotropic receptor NMDA type subunit 2D; plus strand). Cytogenetic location: 19q13.33.
Variant type: single nucleotide variant.
Coding change: c.803C>T on transcript NM_000836.4 (MANE Select); coding-DNA position 803, C replaced by T.
Protein change: p.Ser268Phe; replaces serine 268 with phenylalanine.
Molecular consequence: missense variant.
Genome position (GRCh38, 1-based): chr19:48,405,071, C>T. VCF-style: chr19-48405071-C-T. GRCh37 (hg19) VCF-style: chr19-48908328-C-T.
Other names: short protein forms S268F.
Identifiers: ClinVar variation 2053797 (VCV002053797.4), dbSNP rs778049759, ClinGen allele CA9550392.

ClinVar aggregate classification (germline): Uncertain significance (1 of 4 stars; one submission).

Allele frequency attached by ClinVar (database versions not stated): gnomAD exomes below 0.00001; TOPMed below 0.00001; gnomAD 0.00001.
gnomAD v4.1: 3 of 1,600,378 alleles (0.00019%); highest among the groups gnomAD compares: Non-Finnish European, 0.00026%; no homozygotes.

Submission:

Labcorp Genetics (formerly Invitae), Labcorp
Classification: Uncertain significance. Last evaluated: 2022-09-07. Review status: criteria provided, single submitter. Criteria: Invitae Variant Classification Sherloc (09022015). Collection method: clinical testing. Allele origin: germline.
Comment: In summary, the available evidence is currently insufficient to determine the role of this variant in disease. Therefore, it has been classified as a Variant of Uncertain Significance. Advanced modeling of protein sequence and biophysical properties (such as structural, functional, and spatial information, amino acid conservation, physicochemical variation, residue mobility, and thermodynamic stability) performed at Invitae indicates that this missense variant is not expected to disrupt GRIN2D protein function. This variant has not been reported in the literature in individuals affected with GRIN2D-related conditions. This variant is not present in population databases (gnomAD no frequency). This sequence change replaces serine, which is neutral and polar, with phenylalanine, which is neutral and non-polar, at codon 268 of the GRIN2D protein (p.Ser268Phe).